The following is an entry in ClinVar:

NM_001148.6(ANK2):c.113C>T (p.Ala38Val)

Gene: ANK2 (ankyrin 2; plus strand). Cytogenetic location: 4q25.
Variant type: single nucleotide variant.
Coding change: c.113C>T on transcript NM_001148.6 (MANE Select); coding-DNA position 113, C replaced by T.
Protein change: p.Ala38Val; replaces alanine 38 with valine.
Molecular consequence: missense variant.
Genome position (GRCh38, 1-based): chr4:113,174,444, C>T. VCF-style: chr4-113174444-C-T. GRCh37 (hg19) VCF-style: chr4-114095600-C-T.
Other names: c.50C>T, p.Ala17Val (NM_001354276.2, NM_001354277.2, NM_001386142.1 and 33 more transcripts); c.158C>T, p.Ala53Val (NM_001386144.1, NM_001386152.1, NM_001354230.2 and 5 more transcripts); c.95C>T, p.Ala32Val (NM_001386147.1, NM_001386160.1, NM_001354261.2); c.101C>T, p.Ala34Val (NM_001386148.2, NM_001386186.2, NM_001386187.2 and 1 more transcripts); c.164C>T, p.Ala55Val (NM_001386174.1, NM_001386175.1); c.113C>T, p.Ala38Val (NM_020977.5, NM_001354225.2, NM_001354228.2 and 9 more transcripts); short protein forms A17V, A32V, A34V, A38V, A53V, A55V.
Identifiers: ClinVar variation 1677317 (VCV001677317.8), dbSNP rs2098116035, ClinGen allele CA357992903.
Genomic context (GRCh38, chr4:113,174,444, plus strand): 5'-AGTTCATTAAAGGTCTTTTATTTTTCTCGCAGTCTGACAGCAATGCAAGCTTCCTCCGTG[C>T]TGCCAGAGCAGGCAACCTGGACAAAGTTGTGGAATATCTGAAGGGGGGCATAGACATCAA-3'
Protein context (NP_001139.3, residues 28-48): KSDSNASFLR[Ala38Val]ARAGNLDKVV

ClinVar aggregate classification (germline): Uncertain significance. Review status: criteria provided, multiple submitters, no conflicts (2 of 4 stars). 4 submissions from 4 submitters: Uncertain significance (4). Last evaluated 2025-12-01.

Conditions:
Long QT syndrome (LQTS). Identifiers: MedGen C0023976, MeSH D008133, MONDO:0002442. Disease mechanism: loss of function. Inheritance: Various modes of inheritance.
Cardiovascular phenotype. Identifiers: MedGen CN230736.

Allele frequency attached by ClinVar (database versions not stated): TOPMed below 0.00001.

Submissions (4):

GeneDx
Classification: Uncertain significance. Last evaluated: 2025-12-01. Review status: criteria provided, single submitter. Criteria: GeneDx Variant Classification Process June 2021. Collection method: clinical testing. Allele origin: germline. Affected: yes.
Comment: Not observed at significant frequency in large population cohorts (gnomAD); In silico analysis supports that this missense variant has a deleterious effect on protein structure/function; Has not been previously published as pathogenic or benign to our knowledge

Labcorp Genetics (formerly Invitae), Labcorp
Classification: Uncertain significance for Long QT syndrome. Last evaluated: 2025-02-18. Review status: criteria provided, single submitter. Criteria: Invitae Variant Classification Sherloc (09022015). Collection method: clinical testing. Allele origin: germline.
Comment: This sequence change replaces alanine, which is neutral and non-polar, with valine, which is neutral and non-polar, at codon 38 of the ANK2 protein (p.Ala38Val). This variant is not present in population databases (gnomAD no frequency). This variant has not been reported in the literature in individuals affected with ANK2-related conditions. ClinVar contains an entry for this variant (Variation ID: 1677317). Invitae Evidence Modeling of protein sequence and biophysical properties (such as structural, functional, and spatial information, amino acid conservation, physicochemical variation, residue mobility, and thermodynamic stability) indicates that this missense variant is not expected to disrupt ANK2 protein function with a negative predictive value of 80%. In summary, the available evidence is currently insufficient to determine the role of this variant in disease. Therefore, it has been classified as a Variant of Uncertain Significance.

AiLife Diagnostics
Classification: Uncertain significance. Last evaluated: 2021-07-01. Review status: criteria provided, single submitter. Criteria: ACMG Guidelines, 2015. Collection method: clinical testing. Allele origin: germline. Affected: yes. Observed: 1 variant allele.

Ambry Genetics
Classification: Uncertain significance for Cardiovascular phenotype. Last evaluated: 2019-08-06. Review status: criteria provided, single submitter. Criteria: Ambry Variant Classification Scheme 2023. Collection method: clinical testing. Allele origin: germline.
Comment: The p.A38V variant (also known as c.113C>T), located in coding exon 2 of the ANK2 gene, results from a C to T substitution at nucleotide position 113. The alanine at codon 38 is replaced by valine, an amino acid with similar properties. This amino acid position is highly conserved in available vertebrate species. In addition, this alteration is predicted to be deleterious by in silico analysis. Since supporting evidence is limited at this time, the clinical significance of this alteration remains unclear.